The following is an entry in ClinVar:

ClinVar aggregate classification (germline): Uncertain significance. Review status: criteria provided, multiple submitters, no conflicts (2 of 4 stars). 2 submissions from 2 submitters: Uncertain significance (2). Last evaluated 2024-01-20.

Conditions:
Wilson disease (WND). Also called: Wilson's disease. Identifiers: Orphanet 905, MedGen C0019202, MONDO:0010200, OMIM 277900. Disease mechanism: loss of function.

gnomAD v4.1: 2 of 1,611,174 alleles (0.00012%); highest among the groups gnomAD compares: Non-Finnish European, 0.000085%; no homozygotes.

Submissions (2):

Fulgent Genetics
Classification: Uncertain significance for Wilson disease. Last evaluated: 2024-01-20. Review status: criteria provided, single submitter. Criteria: ACMG Guidelines, 2015. Collection method: clinical testing. Allele origin: germline.

Labcorp Genetics (formerly Invitae), Labcorp
Classification: Uncertain significance for Wilson disease. Last evaluated: 2022-08-03. Review status: criteria provided, single submitter. Criteria: Invitae Variant Classification Sherloc (09022015). Collection method: clinical testing. Allele origin: germline.
Comment: This sequence change replaces isoleucine, which is neutral and non-polar, with methionine, which is neutral and non-polar, at codon 185 of the ATP7B protein (p.Ile185Met). This variant is not present in population databases (gnomAD no frequency). This variant has not been reported in the literature in individuals affected with ATP7B-related conditions. Algorithms developed to predict the effect of missense changes on protein structure and function are either unavailable or do not agree on the potential impact of this missense change (SIFT: "Deleterious"; PolyPhen-2: "Probably Damaging"; Align-GVGD: "Class C0"). In summary, the available evidence is currently insufficient to determine the role of this variant in disease. Therefore, it has been classified as a Variant of Uncertain Significance.

NM_000053.4(ATP7B):c.555C>G (p.Ile185Met)

Gene: ATP7B (ATPase copper transporting beta; minus strand). Cytogenetic location: 13q14.3.
Variant type: single nucleotide variant.
Coding change: c.555C>G on transcript NM_000053.4 (MANE Select); coding-DNA position 555, C replaced by G.
Protein change: p.Ile185Met; replaces isoleucine 185 with methionine.
Molecular consequence: missense variant.
Genome position (GRCh38, 1-based): chr13:51,974,665, G>C on the plus strand (C>G on the coding strand, the complement: ATP7B is on the minus strand). VCF-style: chr13-51974665-G-C. GRCh37 (hg19) VCF-style: chr13-52548801-G-C.
Other names: c.555C>G, p.Ile185Met (NM_001005918.3, NM_001243182.2, NM_001330578.2 and 30 more transcripts); c.459C>G, p.Ile153Met (NM_001406517.1, NM_001406518.1, NM_001406530.1 and 4 more transcripts); short protein forms I153M, I185M.
Identifiers: ClinVar variation 2145128 (VCV002145128.2), dbSNP rs1269310289, ClinGen allele CA388042742.